The following is an entry in ClinVar:

NM_000318.3(PEX2):c.322G>C (p.Val108Leu)

Gene: PEX2 (peroxisomal biogenesis factor 2; minus strand). Cytogenetic location: 8q21.13.
Variant type: single nucleotide variant.
Coding change: c.322G>C on transcript NM_000318.3 (MANE Select); coding-DNA position 322, G replaced by C.
Protein change: p.Val108Leu; replaces valine 108 with leucine.
Molecular consequence: missense variant.
Genome position (GRCh38, 1-based): chr8:76,983,857, C>G on the plus strand (G>C on the coding strand, the complement: PEX2 is on the minus strand). VCF-style: chr8-76983857-C-G. GRCh37 (hg19) VCF-style: chr8-77896093-C-G.
Other names: c.322G>C, p.Val108Leu (NM_001079867.2, NM_001172086.2, NM_001172087.2); short protein forms V108L.
Identifiers: ClinVar variation 288695 (VCV000288695.18), dbSNP rs148101729, ClinGen allele CA4788734.

ClinVar aggregate classification (germline): Uncertain significance. Review status: criteria provided, multiple submitters, no conflicts (2 of 4 stars). 7 submissions from 7 submitters: Uncertain significance (6). 1 of the submissions does not count toward it. Last evaluated 2026-08-21.

Conditions:
Peroxisome biogenesis disorder 5A (Zellweger) (PBD5A). Identifiers: Orphanet 912, MedGen C3553940, MONDO:0013932, OMIM 614866.
PEX2-related disorder. Also called: PEX2-related condition.
Zellweger spectrum disorders (ZS). Also called: Zellweger syndrome; Zellweger Spectrum Disorder (ZSD); Zellweger Spectrum Disorder; Zellweger Spectrum. Identifiers: Orphanet 912, MedGen C0043459, MONDO:0019609.
Inborn genetic diseases. Identifiers: MedGen C0950123, MeSH D030342.

Allele frequency attached by ClinVar (database versions not stated): gnomAD exomes 0.00003 and 0.00006; ESP Exome Variant Server 0.00008; ExAC 0.00009; 1000 Genomes Project 0.00020; 1000 Genomes Project 30x 0.00031; gnomAD 0.00041 and 0.00043; TOPMed 0.00077.
gnomAD v4.1: 119 of 1,614,152 alleles (0.0074%); highest among the groups gnomAD compares: Admixed American, 0.1%; no homozygotes.

Submissions (7):

PreventionGenetics, part of Exact Sciences
Classification: Uncertain significance for PEX2-related condition. Last evaluated: 2026-08-21. Review status: criteria provided, single submitter. Criteria: ACMG Guidelines, 2015. Collection method: clinical testing. Allele origin: germline.
Comment: The PEX2 c.322G>C variant is predicted to result in the amino acid substitution p.Val108Leu. To our knowledge, this variant has not been reported in the literature. This variant is reported in 0.020% of alleles in individuals of European (Finnish) descent in gnomAD. An alternate missense change at the same amino acid position (c.323T>C, p.Val108Ala), has been reported de novo in an individual with conotruncal defects (Supplementary Database 2, Edwards et al. 2020. PubMed ID: 32368696). At this time, the clinical significance of this variant is uncertain due to the absence of conclusive functional and genetic evidence.

Ambry Genetics
Classification: Uncertain significance for Inborn genetic diseases. Last evaluated: 2025-02-07. Review status: criteria provided, single submitter. Criteria: Ambry Variant Classification Scheme 2023. Collection method: clinical testing. Allele origin: germline.

Blueprint Genetics
Classification: Uncertain significance. Last evaluated: 2024-06-06. Review status: criteria provided, single submitter. Criteria: ACMG Guidelines, 2015. Collection method: clinical testing. Allele origin: germline.

Labcorp Genetics (formerly Invitae), Labcorp
Classification: Uncertain significance for Peroxisome biogenesis disorder 5A (Zellweger). Last evaluated: 2022-11-01. Review status: criteria provided, single submitter. Criteria: Invitae Variant Classification Sherloc (09022015). Collection method: clinical testing. Allele origin: germline.
Comment: This sequence change replaces valine, which is neutral and non-polar, with leucine, which is neutral and non-polar, at codon 108 of the PEX2 protein (p.Val108Leu). This variant is present in population databases (rs148101729, gnomAD 0.02%). This variant has not been reported in the literature in individuals affected with PEX2-related conditions. ClinVar contains an entry for this variant (Variation ID: 288695). Advanced modeling of protein sequence and biophysical properties (such as structural, functional, and spatial information, amino acid conservation, physicochemical variation, residue mobility, and thermodynamic stability) performed at Invitae indicates that this missense variant is not expected to disrupt PEX2 protein function. In summary, the available evidence is currently insufficient to determine the role of this variant in disease. Therefore, it has been classified as a Variant of Uncertain Significance.

Eurofins Ntd Llc (ga)
Classification: Uncertain significance. Last evaluated: 2018-06-07. Review status: criteria provided, single submitter. Criteria: EGL ClinVar v180209 classification definitions. Collection method: clinical testing. Allele origin: germline. Observed: 4 variant alleles, 4 heterozygotes.

Illumina Laboratory Services, Illumina
Classification: Uncertain significance for Peroxisome biogenesis disorder 5A (Zellweger). Last evaluated: 2018-03-30. Review status: criteria provided, single submitter. Criteria: ICSL Variant Classification Criteria 13 December 2019. Collection method: clinical testing. Allele origin: germline.

Natera, Inc.
Classification: Uncertain significance for Zellweger syndrome. Last evaluated: 2019-10-28. Review status: no assertion criteria provided. Collection method: clinical testing. Allele origin: germline. Not counted in ClinVar's aggregate classification.